The following is an entry in ClinVar:

NM_001166108.2(PALLD):c.229G>A (p.Glu77Lys)

Gene: PALLD (palladin, cytoskeletal associated protein; plus strand). Cytogenetic location: 4q32.3.
Variant type: single nucleotide variant.
Coding change: c.229G>A on transcript NM_001166108.2 (MANE Select); coding-DNA position 229, G replaced by A.
Protein change: p.Glu77Lys; replaces glutamic acid 77 with lysine.
Molecular consequence: missense variant.
Genome position (GRCh38, 1-based): chr4:168,511,733, G>A. VCF-style: chr4-168511733-G-A. GRCh37 (hg19) VCF-style: chr4-169432884-G-A.
Other names: c.229G>A, p.Glu77Lys (NM_016081.4); short protein forms E77K.
Identifiers: ClinVar variation 3304069 (VCV003304069.1).

ClinVar aggregate classification (germline): Uncertain significance (1 of 4 stars; one submission).

Submission:

Ambry Genetics
Classification: Uncertain significance. Last evaluated: 2024-04-22. Review status: criteria provided, single submitter. Criteria: Ambry Variant Classification Scheme 2023. Collection method: clinical testing. Allele origin: germline.
Comment: The p.E77K variant (also known as c.229G>A), located in coding exon 1 of the PALLD gene, results from a G to A substitution at nucleotide position 229. The glutamic acid at codon 77 is replaced by lysine, an amino acid with similar properties. This amino acid position is conserved. In addition, this alteration is predicted to be tolerated by in silico analysis. Based on the available evidence, the clinical significance of this variant remains unclear.